The following is an entry in ClinVar:

ClinVar aggregate classification (germline): Uncertain significance (1 of 4 stars; one submission).

Submission:

Labcorp Genetics (formerly Invitae), Labcorp
Classification: Uncertain significance. Last evaluated: 2022-10-13. Review status: criteria provided, single submitter. Criteria: Invitae Variant Classification Sherloc (09022015). Collection method: clinical testing. Allele origin: germline.
Comment: This variant has not been reported in the literature in individuals affected with EYS-related conditions. In summary, the available evidence is currently insufficient to determine the role of this variant in disease. Therefore, it has been classified as a Variant of Uncertain Significance. Algorithms developed to predict the effect of missense changes on protein structure and function output the following: SIFT: "Tolerated"; PolyPhen-2: "Benign"; Align-GVGD: "Class C25". The serine amino acid residue is found in multiple mammalian species, which suggests that this missense change does not adversely affect protein function. This variant is not present in population databases (gnomAD no frequency). This sequence change replaces proline, which is neutral and non-polar, with serine, which is neutral and polar, at codon 360 of the EYS protein (p.Pro360Ser).

NM_001142800.2(EYS):c.1078C>T (p.Pro360Ser)

Gene: EYS (EGF-like photoreceptor maintenance factor; minus strand). Cytogenetic location: 6q12.
Variant type: single nucleotide variant.
Coding change: c.1078C>T on transcript NM_001142800.2 (MANE Select); coding-DNA position 1078, C replaced by T.
Protein change: p.Pro360Ser; replaces proline 360 with serine.
Molecular consequence: missense variant.
Genome position (GRCh38, 1-based): chr6:65,402,584, G>A on the plus strand (C>T on the coding strand, the complement: EYS is on the minus strand). VCF-style: chr6-65402584-G-A. GRCh37 (hg19) VCF-style: chr6-66112477-G-A.
Other names: c.1078C>T, p.Pro360Ser (NM_001142801.2, NM_001292009.2, NM_198283.2); short protein forms P360S.
Identifiers: ClinVar variation 1998713 (VCV001998713.4), dbSNP rs2533367684, ClinGen allele CA364662482.